The following is an entry in ClinVar:

NM_138927.4(SON):c.2210C>G (p.Ala737Gly)

Gene: SON (SON DNA and RNA binding protein; plus strand). Cytogenetic location: 21q22.11.
Variant type: single nucleotide variant.
Coding change: c.2210C>G on transcript NM_138927.4 (MANE Select); coding-DNA position 2210, C replaced by G.
Protein change: p.Ala737Gly; replaces alanine 737 with glycine.
Molecular consequence: missense variant. On other transcripts: non-coding transcript variant (1), intron variant (1).
Genome position (GRCh38, 1-based): chr21:33,551,441, C>G. VCF-style: chr21-33551441-C-G. GRCh37 (hg19) VCF-style: chr21-34923747-C-G.
Other names: c.2210C>G, p.Ala737Gly (NM_001291411.2, NM_032195.3); c.244+5062C>G (NM_001291412.3); short protein forms A737G.
Identifiers: ClinVar variation 3393723 (VCV003393723.1).

ClinVar aggregate classification (germline): Uncertain significance (1 of 4 stars; one submission).

Submission:

GeneDx
Classification: Uncertain significance. Last evaluated: 2024-07-05. Review status: criteria provided, single submitter. Criteria: GeneDx Variant Classification Process June 2021. Collection method: clinical testing. Allele origin: germline. Affected: yes.
Comment: Not observed at significant frequency in large population cohorts (gnomAD); In silico analysis indicates that this missense variant does not alter protein structure/function; Has not been previously published as pathogenic or benign to our knowledge